The following is an entry in ClinVar:

NM_001378120.1(MBD5):c.1449del (p.Ser484fs)

Gene: MBD5 (methyl-CpG binding domain protein 5; plus strand). Cytogenetic location: 2q23.1.
Variant type: Deletion.
Coding change: c.1449del on transcript NM_001378120.1 (MANE Select); coding-DNA position 1449, one base deleted (T; older notation c.1449delT).
Protein change: p.Ser484fs; shifts the reading frame from serine 484.
Molecular consequence: frameshift variant.
Genome position (GRCh38, 1-based): chr2:148,469,392, T deleted. VCF-style (leftmost placement, unchanged base first): chr2-148469391-CT-C. GRCh37 (hg19) VCF-style: chr2-149226960-CT-C.
Other names: c.1449del, p.Ser484fs (NM_018328.5); short protein forms S484fs.
Identifiers: ClinVar variation 1075681 (VCV001075681.7), dbSNP rs2105633124, ClinGen allele CA2499214977.

ClinVar aggregate classification (germline): Pathogenic (1 of 4 stars; one submission).

Conditions:
Intellectual developmental disorder, autosomal dominant 1. Also called: Intellectual disability, autosomal dominant 1; MBD5 Haploinsufficiency. Identifiers: Orphanet 228402, MedGen C1969562, MONDO:0007974, OMIM 156200.

Submission:

Labcorp Genetics (formerly Invitae), Labcorp
Classification: Pathogenic for Intellectual developmental disorder, autosomal dominant 1. Last evaluated: 2024-02-24. Review status: criteria provided, single submitter. Criteria: Invitae Variant Classification Sherloc (09022015). Collection method: clinical testing. Allele origin: germline.
Comment: This sequence change creates a premature translational stop signal (p.Ser484Valfs*14) in the MBD5 gene. It is expected to result in an absent or disrupted protein product. Loss-of-function variants in MBD5 are known to be pathogenic (PMID: 23422940, 23587880). This variant is not present in population databases (gnomAD no frequency). This variant has not been reported in the literature in individuals affected with MBD5-related conditions. ClinVar contains an entry for this variant (Variation ID: 1075681). For these reasons, this variant has been classified as Pathogenic.

Literature cited by the submitters: PubMed 23422940; PubMed 23587880.